The following is an entry in ClinVar:

NM_005720.4(ARPC1B):c.195C>G (p.Asn65Lys)

Gene: ARPC1B (actin related protein 2/3 complex subunit 1B; plus strand). Cytogenetic location: 7q22.1.
Variant type: single nucleotide variant.
Coding change: c.195C>G on transcript NM_005720.4 (MANE Select); coding-DNA position 195, C replaced by G.
Protein change: p.Asn65Lys; replaces asparagine 65 with lysine.
Molecular consequence: missense variant.
Genome position (GRCh38, 1-based): chr7:99,388,064, C>G. VCF-style: chr7-99388064-C-G. GRCh37 (hg19) VCF-style: chr7-98985687-C-G.
Other names: short protein forms N65K.
Identifiers: ClinVar variation 1444350 (VCV001444350.4), dbSNP rs750749688, ClinGen allele CA4363947.

ClinVar aggregate classification (germline): Uncertain significance. Review status: criteria provided, multiple submitters, no conflicts (2 of 4 stars). 2 submissions from 2 submitters: Uncertain significance (2). Last evaluated 2024-07-23.

Allele frequency attached by ClinVar (database versions not stated): ExAC 0.00002; gnomAD 0.00005; gnomAD exomes 0.00005 and 0.00021; TOPMed 0.00006.
gnomAD v4.1: 308 of 1,610,094 alleles (0.019%); highest among the groups gnomAD compares: Non-Finnish European, 0.026%; no homozygotes.

Submissions (2):

Blueprint Genetics
Classification: Uncertain significance. Last evaluated: 2024-07-23. Review status: criteria provided, single submitter. Criteria: ACMG Guidelines, 2015. Collection method: clinical testing. Allele origin: germline.

Labcorp Genetics (formerly Invitae), Labcorp
Classification: Uncertain significance. Last evaluated: 2021-11-27. Review status: criteria provided, single submitter. Criteria: Invitae Variant Classification Sherloc (09022015). Collection method: clinical testing. Allele origin: germline.
Comment: This sequence change replaces asparagine, which is neutral and polar, with lysine, which is basic and polar, at codon 65 of the ARPC1B protein (p.Asn65Lys). This variant is present in population databases (rs750749688, gnomAD 0.009%). This variant has not been reported in the literature in individuals affected with ARPC1B-related conditions. Algorithms developed to predict the effect of missense changes on protein structure and function (SIFT, PolyPhen-2, Align-GVGD) all suggest that this variant is likely to be tolerated. In summary, the available evidence is currently insufficient to determine the role of this variant in disease. Therefore, it has been classified as a Variant of Uncertain Significance.